The following is an entry in ClinVar:

ClinVar aggregate classification (germline): Uncertain significance (1 of 4 stars; one submission).

Conditions:
RPE65-related disorder. Also called: RPE65-related disorders; RPE65-related condition. Identifiers: MedGen CN239301.

gnomAD v4.1: 9 of 1,613,848 alleles (0.00056%); highest among the groups gnomAD compares: South Asian, 0.0077%; no homozygotes.

Submission:

PreventionGenetics, part of Exact Sciences
Classification: Uncertain significance for RPE65-related condition. Last evaluated: 2025-08-20. Review status: criteria provided, single submitter. Criteria: ACMG Guidelines, 2015. Collection method: clinical testing. Allele origin: germline.
Comment: The RPE65 c.512A>G variant is predicted to result in the amino acid substitution p.Tyr171Cys. To our knowledge, this variant has not been reported in the literature. This variant is reported in 0.0098% of alleles in individuals of South Asian descent in gnomAD. At this time, the clinical significance of this variant is uncertain due to the absence of conclusive functional and genetic evidence.

NM_000329.3(RPE65):c.512A>G (p.Tyr171Cys)

Gene: RPE65 (retinoid isomerohydrolase RPE65; minus strand). Cytogenetic location: 1p31.3.
Variant type: single nucleotide variant.
Coding change: c.512A>G on transcript NM_000329.3 (MANE Select); coding-DNA position 512, A replaced by G.
Protein change: p.Tyr171Cys; replaces tyrosine 171 with cysteine.
Molecular consequence: missense variant.
Genome position (GRCh38, 1-based): chr1:68,440,984, T>C on the plus strand (A>G on the coding strand, the complement: RPE65 is on the minus strand). VCF-style: chr1-68440984-T-C. GRCh37 (hg19) VCF-style: chr1-68906667-T-C.
Other names: c.404A>G, p.Tyr135Cys (NM_001406853.1); c.236A>G, p.Tyr79Cys (NM_001406856.1, NM_001406857.1); c.512A>G, p.Tyr171Cys (NM_001406859.1); short protein forms Y79C, Y171C, Y135C.
Identifiers: ClinVar variation 4998870 (VCV004998870.1).
Genomic context (GRCh38, chr1:68,440,984, plus strand): 5'-TTGTAAACGGTTCCATCATTTTCAATGTGGGGGTGAGCAGTGGCCCCATTGACAGAGACA[T>C]AGTTGCAAAGATCAACCTACGGAAGTAAAGTGAATGTCCTCCAGTTGAGAGAAGGAAGAT-3'
Protein context (NP_000320.1, residues 161-181): ETIKQVDLCN[Tyr171Cys]VSVNGATAHP